The following is an entry in ClinVar:

ClinVar aggregate classification (germline): Uncertain significance (1 of 4 stars; one submission).

Submission:

Labcorp Genetics (formerly Invitae), Labcorp
Classification: Uncertain significance. Last evaluated: 2024-02-01. Review status: criteria provided, single submitter. Criteria: Invitae Variant Classification Sherloc (09022015). Collection method: clinical testing. Allele origin: germline.
Comment: This sequence change replaces glycine, which is neutral and non-polar, with cysteine, which is neutral and slightly polar, at codon 729 of the EPAS1 protein (p.Gly729Cys). This variant is not present in population databases (gnomAD no frequency). This variant has not been reported in the literature in individuals affected with EPAS1-related conditions. An algorithm developed to predict the effect of missense changes on protein structure and function (PolyPhen-2) suggests that this variant is likely to be tolerated. In summary, the available evidence is currently insufficient to determine the role of this variant in disease. Therefore, it has been classified as a Variant of Uncertain Significance.

NM_001430.5(EPAS1):c.2185G>T (p.Gly729Cys)

Gene: EPAS1 (endothelial PAS domain protein 1; plus strand). Cytogenetic location: 2p21.
Variant type: single nucleotide variant.
Coding change: c.2185G>T on transcript NM_001430.5 (MANE Select); coding-DNA position 2185, G replaced by T.
Protein change: p.Gly729Cys; replaces glycine 729 with cysteine.
Molecular consequence: missense variant.
Genome position (GRCh38, 1-based): chr2:46,381,987, G>T. VCF-style: chr2-46381987-G-T. GRCh37 (hg19) VCF-style: chr2-46609126-G-T.
Other names: short protein forms G729C.
Identifiers: ClinVar variation 3637306 (VCV003637306.2).